The following is an entry in ClinVar:

NM_020832.3(ZNF687):c.2836C>T (p.Arg946Trp)

Gene: ZNF687 (zinc finger protein 687; plus strand). Cytogenetic location: 1q21.3.
Variant type: single nucleotide variant.
Coding change: c.2836C>T on transcript NM_020832.3 (MANE Select); coding-DNA position 2836, C replaced by T.
Protein change: p.Arg946Trp; replaces arginine 946 with tryptophan.
Molecular consequence: missense variant.
Genome position (GRCh38, 1-based): chr1:151,289,879, C>T. VCF-style: chr1-151289879-C-T. GRCh37 (hg19) VCF-style: chr1-151262355-C-T.
Other names: c.2836C>T, p.Arg946Trp (NM_001304763.2, NM_001304764.2); short protein forms R946W.
Identifiers: ClinVar variation 3021446 (VCV003021446.4), dbSNP rs61818002, ClinGen allele CA1088655.
Genomic context (GRCh38, chr1:151,289,879, plus strand): 5'-TCAGAAGAGGAGGAAGTACCCAGCTCCCCTGAGCCCCCCCGTCCAGCCAAACGGCCTCGG[C>T]GGGAACTAGGGAGCAAAGGCCTCAAGGGTGGGGGTGGGGGGCCTGGAGGCTGGACCTGTG-3'
Protein context (NP_065883.1, residues 936-956): EPPRPAKRPR[Arg946Trp]ELGSKGLKGG

ClinVar aggregate classification (germline): Uncertain significance (1 of 4 stars; one submission).

Submissions (2):

Labcorp Genetics (formerly Invitae), Labcorp
Classification: Uncertain significance. Last evaluated: 2023-05-18. Review status: criteria provided, single submitter. Criteria: Invitae Variant Classification Sherloc (09022015). Collection method: clinical testing. Allele origin: germline.
Comment: An algorithm developed to predict the effect of missense changes on protein structure and function (PolyPhen-2) suggests that this variant is likely to be disruptive. In summary, the available evidence is currently insufficient to determine the role of this variant in disease. Therefore, it has been classified as a Variant of Uncertain Significance. This variant has not been reported in the literature in individuals affected with ZNF687-related conditions. This sequence change replaces arginine, which is basic and polar, with tryptophan, which is neutral and slightly polar, at codon 946 of the ZNF687 protein (p.Arg946Trp). The frequency data for this variant in the population databases is considered unreliable, as metrics indicate poor data quality at this position in the gnomAD database.

Dr. Peter K. Rogan Lab, Western University
No classification provided (evidence only). Condition: Thymoma. Review status: no classification provided. Collection method: in vitro. Allele origin: not applicable. Functional consequence: retained intron. Not counted in ClinVar's aggregate classification.